The following is an entry in ClinVar:

NM_017837.4(PIGV):c.146C>A (p.Ser49Ter)

Gene: PIGV (phosphatidylinositol glycan anchor biosynthesis class V; plus strand). Cytogenetic location: 1p36.11.
Variant type: single nucleotide variant.
Coding change: c.146C>A on transcript NM_017837.4 (MANE Select); coding-DNA position 146, C replaced by A.
Protein change: p.Ser49Ter; replaces serine 49 with a stop codon.
Molecular consequence: nonsense. On other transcripts: 5 prime UTR variant (1), non-coding transcript variant (2), intron variant (1).
Genome position (GRCh38, 1-based): chr1:26,794,180, C>A. VCF-style: chr1-26794180-C-A. GRCh37 (hg19) VCF-style: chr1-27120671-C-A.
Other names: c.146C>A, p.Ser49Ter (NM_001202554.2, NM_001374478.1, NM_001374480.1 and 4 more transcripts); c.-236C>A (NM_001374483.1); c.78+3287C>A (NM_001374486.1); short protein forms S49*.
Identifiers: ClinVar variation 1700521 (VCV001700521.7), dbSNP rs145160045, ClinGen allele CA708004.

ClinVar aggregate classification (germline): Conflicting classifications of pathogenicity. Review status: criteria provided, conflicting classifications (1 of 4 stars). 3 submissions from 3 submitters: Pathogenic (2); Uncertain significance (1). Last evaluated 2024-12-11.

Conditions:
PIGV-related disorder. Also called: PIGV-related condition; PIGV-related disorders.
Hyperphosphatasia with impaired intellectual development syndrome 1. Also called: MABRY SYNDROME; Hyperphosphatasia with intellectual disability syndrome 1; GLYCOSYLPHOSPHATIDYLINOSITOL BIOSYNTHESIS DEFECT 2. Identifiers: Orphanet 247262, MedGen C4551502, MONDO:0009398, OMIM 239300.

Allele frequency attached by ClinVar (database versions not stated): ExAC 0.00002; ESP Exome Variant Server 0.00008; gnomAD exomes 0.00001; gnomAD 0.00003; TOPMed 0.00003.

Submissions (3):

GeneDx
Classification: Pathogenic. Last evaluated: 2024-12-11. Review status: criteria provided, single submitter. Criteria: GeneDx Variant Classification Process June 2021. Collection method: clinical testing. Allele origin: germline. Affected: yes.
Comment: Nonsense variant predicted to result in protein truncation or nonsense mediated decay in a gene for which loss-of-function is a known mechanism of disease; Not observed at significant frequency in large population cohorts (gnomAD); This variant is associated with the following publications: (PMID: 31345219, 37010288)

Greenwood Genetic Center Diagnostic Laboratories, Greenwood Genetic Center
Classification: Pathogenic for Hyperphosphatasia with impaired intellectual development syndrome 1. Last evaluated: 2023-09-15. Review status: criteria provided, single submitter. Criteria: ACMG Guidelines, 2015. Collection method: clinical testing. Allele origin: germline. Affected: yes.
Comment: PVS1, PM2, PM3

PreventionGenetics, part of Exact Sciences
Classification: Uncertain significance for PIGV-related condition. Last evaluated: 2022-10-25. Review status: criteria provided, single submitter. Criteria: ACMG Guidelines, 2015. Collection method: clinical testing. Allele origin: germline.
Comment: The PIGV c.146C>A variant is predicted to result in premature protein termination (p.Ser49*). To our knowledge, this variant has not been reported in the literature. This variant is reported in 0.0031% of alleles in individuals of European (Non-Finnish) descent in gnomAD. Loss of function has not been an established mechanism for PIGV-related disease and the majority of reported pathogenic variants have been missense variants. Although we suspect that this variant may be pathogenic, at this time, its clinical significance is uncertain due to the absence of conclusive functional and genetic information.